The following is an entry in ClinVar:

NM_006922.4(SCN3A):c.5774G>A (p.Ser1925Asn)

Gene: SCN3A (sodium voltage-gated channel alpha subunit 3; minus strand). Cytogenetic location: 2q24.3.
Variant type: single nucleotide variant.
Coding change: c.5774G>A on transcript NM_006922.4 (MANE Select); coding-DNA position 5774, G replaced by A.
Protein change: p.Ser1925Asn; replaces serine 1925 with asparagine.
Molecular consequence: missense variant.
Genome position (GRCh38, 1-based): chr2:165,090,379, C>T on the plus strand (G>A on the coding strand, the complement: SCN3A is on the minus strand). VCF-style: chr2-165090379-C-T. GRCh37 (hg19) VCF-style: chr2-165946889-C-T.
Other names: c.5627G>A, p.Ser1876Asn (NM_001081676.2, NM_001081677.2); short protein forms S1876N, S1925N.
Identifiers: ClinVar variation 662730 (VCV000662730.9), dbSNP rs765919309, ClinGen allele CA1938358.

ClinVar aggregate classification (germline): Conflicting classifications of pathogenicity. Review status: criteria provided, conflicting classifications (1 of 4 stars). 2 submissions from 2 submitters: Uncertain significance (1); Likely benign (1). Last evaluated 2024-05-15.

Conditions:
Inborn genetic diseases. Identifiers: MedGen C0950123, MeSH D030342.

Allele frequency attached by ClinVar (database versions not stated): gnomAD exomes below 0.00001 and 0.00001; TOPMed below 0.00001; ExAC 0.00001.
gnomAD v4.1: 2 of 1,612,930 alleles (0.00012%); highest among the groups gnomAD compares: Admixed American, 0.0033%; no homozygotes.

Submissions (2):

Ambry Genetics
Classification: Likely benign for Inborn genetic diseases. Last evaluated: 2024-05-15. Review status: criteria provided, single submitter. Criteria: Ambry Variant Classification Scheme 2023. Collection method: clinical testing. Allele origin: germline.

Labcorp Genetics (formerly Invitae), Labcorp
Classification: Uncertain significance. Last evaluated: 2024-02-23. Review status: criteria provided, single submitter. Criteria: Invitae Variant Classification Sherloc (09022015). Collection method: clinical testing. Allele origin: germline.
Comment: This sequence change replaces serine, which is neutral and polar, with asparagine, which is neutral and polar, at codon 1925 of the SCN3A protein (p.Ser1925Asn). This variant is present in population databases (rs765919309, gnomAD 0.006%). This variant has not been reported in the literature in individuals affected with SCN3A-related conditions. ClinVar contains an entry for this variant (Variation ID: 662730). Advanced modeling of protein sequence and biophysical properties (such as structural, functional, and spatial information, amino acid conservation, physicochemical variation, residue mobility, and thermodynamic stability) performed at Invitae indicates that this missense variant is not expected to disrupt SCN3A protein function with a negative predictive value of 95%. In summary, the available evidence is currently insufficient to determine the role of this variant in disease. Therefore, it has been classified as a Variant of Uncertain Significance.